The following is an entry in ClinVar:

ClinVar aggregate classification (germline): Pathogenic (1 of 4 stars; one submission).

Submission:

GeneDx
Classification: Pathogenic. Last evaluated: 2025-07-12. Review status: criteria provided, single submitter. Criteria: GeneDx Variant Classification Process June 2021. Collection method: clinical testing. Allele origin: germline. Affected: yes.
Comment: De novo variant with confirmed parentage in a patient in published literature from a cohort of individuals with developmental disorders; detailed clinical information was not provided, and the patient harbored additional de novo variants (PMID: 33057194); Not observed at significant frequency in large population cohorts (gnomAD); In-frame deletion of 1 amino acid(s) in a non-repeat region; In silico analysis supports a deleterious effect on protein structure/function; This variant is associated with the following publications: (PMID: 35982159, 33057194)

NM_020822.3(KCNT1):c.554TAA[1] (p.Ile186del)

Gene: KCNT1 (potassium sodium-activated channel subfamily T member 1; plus strand). Cytogenetic location: 9q34.3.
Variant type: Microsatellite.
Coding change: c.554TAA[1] on transcript NM_020822.3 (MANE Select); one copy of the 3-base unit TAA starting at c.554; the reference has two copies in a row; one copy, 3 bases deleted.
Protein change: p.Ile186del; deletes isoleucine 186.
Molecular consequence: inframe deletion.
Genome position (GRCh38, 1-based): chr9:135,756,889-135,756,891, TAA deleted; deleting any 3 consecutive bases within chr9:135,756,885-135,756,891 gives the same sequence; the position shown is the placement nearest the transcript's 3' end. VCF-style (leftmost placement, unchanged base first): chr9-135756884-CATA-C. GRCh37 (hg19) VCF-style: chr9-138648730-CATA-C.
Other names: c.410TAA[1], p.Ile138del (NM_001272003.2); short protein forms I138del, I186del.
Identifiers: ClinVar variation 4686266 (VCV004686266.1).
Genomic context (GRCh38, chr9:135,756,884, plus strand): 5'-GCCCCAGCCCCGGCCTGCTCCAGAGCTCCTTCCCTTTCCTGACTCCCAGGTCATCGTGGC[CATA>C]ATAAGCTTCCTGGAGACGATGCTTCTCATCTACCTCAGCTACAAAGTGAGTGCCTGCCCG-3'